The following is an entry in ClinVar:

NM_004341.5(CAD):c.1130G>A (p.Arg377His)

Gene: CAD (carbamoyl-phosphate synthetase 2, aspartate transcarbamylase, and dihydroorotase; plus strand). Cytogenetic location: 2p23.3.
Variant type: single nucleotide variant.
Coding change: c.1130G>A on transcript NM_004341.5 (MANE Select); coding-DNA position 1130, G replaced by A.
Protein change: p.Arg377His; replaces arginine 377 with histidine.
Molecular consequence: missense variant.
Genome position (GRCh38, 1-based): chr2:27,224,366, G>A. VCF-style: chr2-27224366-G-A. GRCh37 (hg19) VCF-style: chr2-27447234-G-A.
Other names: p.Arg377His; c.1130G>A, p.Arg377His (NM_001306079.2); c.1130G>A (NM_004341.3); short protein forms R377H.
Identifiers: ClinVar variation 1434867 (VCV001434867.5), dbSNP rs761642796, ClinGen allele CA1572625.

ClinVar aggregate classification (germline): Uncertain significance. Review status: criteria provided, multiple submitters, no conflicts (2 of 4 stars). 3 submissions from 3 submitters: Uncertain significance (3). Last evaluated 2024-04-24.

Conditions:
Inborn genetic diseases. Identifiers: MedGen C0950123, MeSH D030342.

Allele frequency attached by ClinVar (database versions not stated): ExAC 0.00015.
gnomAD v4.1: 125 of 1,614,036 alleles (0.0077%); highest among the groups gnomAD compares: Middle Eastern, 0.016%; no homozygotes.

Submissions (3):

Ambry Genetics
Classification: Uncertain significance for Inborn genetic diseases. Last evaluated: 2024-04-24. Review status: criteria provided, single submitter. Criteria: Ambry Variant Classification Scheme 2023. Collection method: clinical testing. Allele origin: germline.

Mayo Clinic Laboratories, Mayo Clinic
Classification: Uncertain significance. Last evaluated: 2023-11-15. Review status: criteria provided, single submitter. Criteria: ACMG Guidelines, 2015. Collection method: clinical testing. Allele origin: germline. Observed: 1 variant allele.

Labcorp Genetics (formerly Invitae), Labcorp
Classification: Uncertain significance. Last evaluated: 2022-08-07. Review status: criteria provided, single submitter. Criteria: Invitae Variant Classification Sherloc (09022015). Collection method: clinical testing. Allele origin: germline.
Comment: This sequence change replaces arginine, which is basic and polar, with histidine, which is basic and polar, at codon 377 of the CAD protein (p.Arg377His). This variant is present in population databases (rs761642796, gnomAD 0.02%). This variant has not been reported in the literature in individuals affected with CAD-related conditions. ClinVar contains an entry for this variant (Variation ID: 1434867). Algorithms developed to predict the effect of missense changes on protein structure and function output the following: SIFT: "Tolerated"; PolyPhen-2: "Benign"; Align-GVGD: "Class C0". The histidine amino acid residue is found in multiple mammalian species, which suggests that this missense change does not adversely affect protein function. In summary, the available evidence is currently insufficient to determine the role of this variant in disease. Therefore, it has been classified as a Variant of Uncertain Significance.